The following is an entry in ClinVar:

ClinVar aggregate classification (germline): Uncertain significance. Review status: criteria provided, multiple submitters, no conflicts (2 of 4 stars). 2 submissions from 2 submitters: Uncertain significance (2). Last evaluated 2025-10-05.

Conditions:
Brugada syndrome. Also called: Sudden unexpected nocturnal death syndrome; Sudden unexplained nocturnal death syndrome; Sudden Unexplained Death Syndrome; Sudden Unexplained Nocturnal Death Syndrome (SUNDS). Identifiers: Orphanet 130, MedGen C1142166, MONDO:0015263.
Cardiovascular phenotype. Identifiers: MedGen CN230736.

Allele frequency attached by ClinVar (database versions not stated): TOPMed 0.00001.

Submissions (2):

Ambry Genetics
Classification: Uncertain significance for Cardiovascular phenotype. Last evaluated: 2025-10-05. Review status: criteria provided, single submitter. Criteria: Ambry Variant Classification Scheme 2023. Collection method: clinical testing. Allele origin: germline.
Comment: The p.G469S variant (also known as c.1405G>A), located in coding exon 10 of the SCN10A gene, results from a G to A substitution at nucleotide position 1405. The glycine at codon 469 is replaced by serine, an amino acid with similar properties. This amino acid position is conserved. In addition, the in silico prediction for this alteration is inconclusive. Since supporting evidence is limited at this time, the clinical significance of this alteration remains unclear.

Labcorp Genetics (formerly Invitae), Labcorp
Classification: Uncertain significance for Brugada syndrome. Last evaluated: 2024-11-30. Review status: criteria provided, single submitter. Criteria: Invitae Variant Classification Sherloc (09022015). Collection method: clinical testing. Allele origin: germline.
Comment: This sequence change replaces glycine, which is neutral and non-polar, with serine, which is neutral and polar, at codon 469 of the SCN10A protein (p.Gly469Ser). This variant is present in population databases (no rsID available, gnomAD 0.003%). This variant has not been reported in the literature in individuals affected with SCN10A-related conditions. ClinVar contains an entry for this variant (Variation ID: 1771889). Invitae Evidence Modeling of protein sequence and biophysical properties (such as structural, functional, and spatial information, amino acid conservation, physicochemical variation, residue mobility, and thermodynamic stability) indicates that this missense variant is not expected to disrupt SCN10A protein function with a negative predictive value of 80%. In summary, the available evidence is currently insufficient to determine the role of this variant in disease. Therefore, it has been classified as a Variant of Uncertain Significance.

NM_006514.4(SCN10A):c.1405G>A (p.Gly469Ser)

Gene: SCN10A (sodium voltage-gated channel alpha subunit 10; minus strand). Cytogenetic location: 3p22.2.
Variant type: single nucleotide variant.
Coding change: c.1405G>A on transcript NM_006514.4 (MANE Select); coding-DNA position 1405, G replaced by A.
Protein change: p.Gly469Ser; replaces glycine 469 with serine.
Molecular consequence: missense variant.
Genome position (GRCh38, 1-based): chr3:38,755,844, C>T on the plus strand (G>A on the coding strand, the complement: SCN10A is on the minus strand). VCF-style: chr3-38755844-C-T. GRCh37 (hg19) VCF-style: chr3-38797335-C-T.
Other names: c.1405G>A, p.Gly469Ser (NM_001293306.2, NM_001293307.2); short protein forms G469S.
Identifiers: ClinVar variation 1771889 (VCV001771889.5), dbSNP rs1168358589, ClinGen allele CA352168871.
Genomic context (GRCh38, chr3:38,755,844, plus strand): 5'-TTACCATCCTGCGCTGGTTGTAAGGATCAGAGCGGGGTGATTTGTTGTCTTCTGTGGAGC[C>T]CTCTGACACTCTTGGCTTTATTCTATGCCTTCTCTCACTGGCATTTTTGGAGGTTAAAGG-3'
Protein context (NP_006505.4, residues 459-479): RHRIKPRVSE[Gly469Ser]STEDNKSPRS